The following is an entry in ClinVar:

NM_052867.4(NALCN):c.1759A>G (p.Thr587Ala)

Gene: NALCN (sodium leak channel, non-selective; minus strand). Cytogenetic location: 13q33.1.
Variant type: single nucleotide variant.
Coding change: c.1759A>G on transcript NM_052867.4 (MANE Select); coding-DNA position 1759, A replaced by G.
Protein change: p.Thr587Ala; replaces threonine 587 with alanine.
Molecular consequence: missense variant.
Genome position (GRCh38, 1-based): chr13:101,191,922, T>C on the plus strand (A>G on the coding strand, the complement: NALCN is on the minus strand). VCF-style: chr13-101191922-T-C. GRCh37 (hg19) VCF-style: chr13-101844273-T-C.
Other names: c.1759A>G, p.Thr587Ala (NM_001350748.2, NM_001350749.2); c.1672A>G, p.Thr558Ala (NM_001350750.2, NM_001350751.2); short protein forms T558A, T587A.
Identifiers: ClinVar variation 2579298 (VCV002579298.1), dbSNP rs2502769771, ClinGen allele CA388703366.
Genomic context (GRCh38, chr13:101,191,922, plus strand): 5'-TGTTCATCCCATTATAAATTCCAAGATATAATTGAAAAAAAAATGCTGAACTCACCAGAG[T>C]GGCAAAAAGATGATAGAGAATGAAATAGATGGCAACCACGGGTGCCCACATATGTCCCAC-3'
Protein context (NP_443099.1, residues 577-597): IYFILYHLFA[Thr587Ala]LILLSLFVAV

ClinVar aggregate classification (germline): Likely pathogenic (1 of 4 stars; one submission).

Submission:

GeneDx
Classification: Likely pathogenic. Last evaluated: 2023-08-31. Review status: criteria provided, single submitter. Criteria: GeneDx Variant Classification Process June 2021. Collection method: clinical testing. Allele origin: germline. Affected: yes.
Comment: Not observed at significant frequency in large population cohorts (gnomAD); In silico analysis supports that this missense variant has a deleterious effect on protein structure/function; Has not been previously published as pathogenic or benign to our knowledge